The following is an entry in ClinVar:

NM_000059.4(BRCA2):c.3972_3975del (p.Lys1323_Tyr1324insTer)

Gene: BRCA2 (BRCA2 DNA repair associated; plus strand). Cytogenetic location: 13q13.1.
Variant type: Deletion.
Coding change: c.3972_3975del on transcript NM_000059.4 (MANE Select); coding-DNA positions 3972 to 3975, 4 bases deleted (TACT; older notation c.3972_3975delTACT).
Protein change: p.Lys1323_Tyr1324insTer.
Molecular consequence: nonsense.
Genome position (GRCh38, 1-based): chr13:32,338,327-32,338,330, TACT deleted. VCF-style (leftmost placement, unchanged base first): chr13-32338326-ATACT-A. GRCh37 (hg19) VCF-style: chr13-32912463-ATACT-A.
Other names: 4200delTACT.
Identifiers: ClinVar variation 266785 (VCV000266785.5), dbSNP rs886040507, ClinGen allele CA10589235.

ClinVar aggregate classification (germline): Pathogenic. Review status: reviewed by expert panel (3 of 4 stars). 2 submissions from 2 submitters: Pathogenic (1). 1 of the submissions does not count toward it. Last evaluated 2016-10-18.

Conditions:
Breast-ovarian cancer, familial, susceptibility to, 2 (BROVCA2). Also called: BRCA2 Hereditary Breast and Ovarian Cancer. Identifiers: Orphanet 145, MedGen C2675520, MONDO:0012933, OMIM 612555. Disease mechanism: loss of function.

Submissions (2):

Evidence-based Network for the Interpretation of Germline Mutant Alleles (ENIGMA)
Classification: Pathogenic for Breast-ovarian cancer, familial, susceptibility to, 2. Last evaluated: 2016-10-18. Review status: reviewed by expert panel. Criteria: ENIGMA BRCA1/2 Classification Criteria (2015). Collection method: curation. Allele origin: germline.
Comment: Variant allele predicted to encode a truncated non-functional protein.

Consortium of Investigators of Modifiers of BRCA1/2 (CIMBA), c/o University of Cambridge
Classification: Pathogenic for Breast-ovarian cancer, familial, susceptibility to, 2. Last evaluated: 2015-10-02. Review status: criteria provided, single submitter. Criteria: CIMBA Mutation Classification guidelines May 2016. Collection method: clinical testing. Allele origin: germline. Not counted in ClinVar's aggregate classification.